The following is an entry in ClinVar:

NM_000214.3(JAG1):c.344A>G (p.Asn115Ser)

Gene: JAG1 (jagged canonical Notch ligand 1; minus strand). Cytogenetic location: 20p12.2.
Variant type: single nucleotide variant.
Coding change: c.344A>G on transcript NM_000214.3 (MANE Select); coding-DNA position 344, A replaced by G.
Protein change: p.Asn115Ser; replaces asparagine 115 with serine.
Molecular consequence: missense variant.
Genome position (GRCh38, 1-based): chr20:10,672,744, T>C on the plus strand (A>G on the coding strand, the complement: JAG1 is on the minus strand). VCF-style: chr20-10672744-T-C. GRCh37 (hg19) VCF-style: chr20-10653392-T-C.
Other names: short protein forms N115S.
Identifiers: ClinVar variation 3573273 (VCV003573273.2).
Genomic context (GRCh38, chr20:10,672,744, plus strand): 5'-CCCGAGTAGTCACTCACCGGCCAGGCGAAACTGAAAGGCAGCACGATGCGGTTGCGGTCG[T>C]TGCCGCGGCTGGCCTTGAGGTTGAAGGTGTTGCCCCCGATGACAGGCGTGGACCCTGAGC-3'
Protein context (NP_000205.1, residues 105-125): NTFNLKASRG[Asn115Ser]DRNRIVLPFS

Conditions:
Arteriohepatic dysplasia. Also called: Alagille Syndrome. Identifiers: Orphanet 52, MedGen C0085280, MeSH D016738, MONDO:0007318.

Submission:

Gilbert/Spinner Lab, Children's Hospital of Philadelphia
No classification provided (evidence only). Condition: Alagille syndrome. Review status: no classification provided. Collection method: research. Allele origin: not applicable. Functional consequence: functionally_abnormal.
ClinVar note: "not provided" was previously submitted as the classification for the variant. However, the classification appeared to be based only on an observation of functional data so it was converted to no classification on 2025-07-30.